The following is an entry in ClinVar:

ClinVar aggregate classification (germline): Likely benign. Review status: criteria provided, multiple submitters, no conflicts (2 of 4 stars). 2 submissions from 2 submitters: Likely benign (2). Last evaluated 2022-01-22.

Conditions:
SEPN1-related disorder. Also called: SEPN1-Related Disorders. Identifiers: MedGen CN239420.

Allele frequency attached by ClinVar (database versions not stated): 1000 Genomes Project 0.00379; gnomAD 0.00417 and 0.00453; TOPMed 0.00441; 1000 Genomes Project 30x 0.00484.

Submissions (2):

GeneDx
Classification: Likely benign. Last evaluated: 2022-01-22. Review status: criteria provided, single submitter. Criteria: GeneDx Variant Classification Process June 2021. Collection method: clinical testing. Allele origin: germline. Affected: yes.
Comment: See Variant Classification Assertion Criteria.

Illumina Laboratory Services, Illumina
Classification: Likely benign for SEPN1-Related Disorders. Last evaluated: 2018-01-13. Review status: criteria provided, single submitter. Criteria: ICSL Variant Classification Criteria 13 December 2019. Collection method: clinical testing. Allele origin: germline.
Comment: This variant was observed in the ICSL laboratory as part of a predisposition screen in an ostensibly healthy population. It had not been previously curated by ICSL or reported in the Human Gene Mutation Database (HGMD: prior to June 1st, 2018), and was therefore a candidate for classification through an automated scoring system. Utilizing variant allele frequency, disease prevalence and penetrance estimates, and inheritance mode, an automated score was calculated to assess if this variant is too frequent to cause the disease. Based on the score and internal cut-off values, a variant classified as likely benign is not then subjected to further curation. The score for this variant resulted in a classification of likely benign for this disease.

NM_206926.2(SELENON):c.*938C>T

Gene: SELENON (selenoprotein N; plus strand). Cytogenetic location: 1p36.11.
Variant type: single nucleotide variant.
Coding change: c.*938C>T on transcript NM_206926.2 (MANE Select); 938 bases downstream of the stop codon, C replaced by T.
Molecular consequence: 3 prime UTR variant.
Genome position (GRCh38, 1-based): chr1:25,816,656, C>T. VCF-style: chr1-25816656-C-T. GRCh37 (hg19) VCF-style: chr1-26143147-C-T.
Other names: c.*938C>T (NM_020451.3).
Identifiers: ClinVar variation 876436 (VCV000876436.5), dbSNP rs116835124, ClinGen allele CA19699326.
Genomic context (GRCh38, chr1:25,816,656, plus strand): 5'-ACCAGGGGTGCCCCAGGCTAGCTCTTCTACCTCTGGGGCACCACGGACTCCCCTTGGCCA[C>T]TCTTGGGACTTTGGTCCACGTCCTGAGCCACTGACCACGGCCAGTCTCTCTTTTTATATG-3'